The following is an entry in ClinVar:

NM_000051.4(ATM):c.2802C>T (p.Ser934=)

Gene: ATM (ATM serine/threonine kinase; plus strand). Cytogenetic location: 11q22.3.
Variant type: single nucleotide variant.
Coding change: c.2802C>T on transcript NM_000051.4 (MANE Select); coding-DNA position 2802, C replaced by T.
Protein change: p.Ser934=; no amino-acid change (serine 934 retained).
Molecular consequence: synonymous variant.
Genome position (GRCh38, 1-based): chr11:108,268,573, C>T. VCF-style: chr11-108268573-C-T. GRCh37 (hg19) VCF-style: chr11-108139300-C-T.
Other names: c.2802C>T, p.Ser934= (NM_001351834.2).
Identifiers: ClinVar variation 3254162 (VCV003254162.1), dbSNP rs876659788.

ClinVar aggregate classification (germline): Benign (1 of 4 stars; one submission).

Conditions:
Familial cancer of breast. Also called: BREAST CANCER, FAMILIAL; Hereditary breast cancer; hereditary breast carcinoma. Identifiers: Orphanet 227535, MedGen C0346153, MONDO:0016419, OMIM 114480. Disease mechanism: loss of function.

Submission:

Myriad Genetics, Inc.
Classification: Benign for Familial cancer of breast. Last evaluated: 2024-05-10. Review status: criteria provided, single submitter. Criteria: Myriad Autosomal Dominant, Autosomal Recessive and X-Linked Classification Criteria (2023). Collection method: clinical testing. Allele origin: unknown.
Comment: This variant is considered benign. This variant is a silent/synonymous amino acid change and it is not expected to impact splicing.